The following is an entry in ClinVar:

ClinVar aggregate classification (germline): Uncertain significance. Review status: criteria provided, multiple submitters, no conflicts (2 of 4 stars). 2 submissions from 2 submitters: Uncertain significance (2). Last evaluated 2024-02-06.

Allele frequency attached by ClinVar (database versions not stated): gnomAD 0.00001; TOPMed 0.00001; gnomAD exomes 0.00002; ExAC 0.00006.
gnomAD v4.1: 25 of 1,613,292 alleles (0.0015%); highest among the groups gnomAD compares: Middle Eastern, 0.016%; no homozygotes.

Submissions (2):

Ambry Genetics
Classification: Uncertain significance. Last evaluated: 2024-02-06. Review status: criteria provided, single submitter. Criteria: Ambry Variant Classification Scheme 2023. Collection method: clinical testing. Allele origin: germline.

Labcorp Genetics (formerly Invitae), Labcorp
Classification: Uncertain significance. Last evaluated: 2022-07-18. Review status: criteria provided, single submitter. Criteria: Invitae Variant Classification Sherloc (09022015). Collection method: clinical testing. Allele origin: germline.
Comment: This sequence change replaces proline, which is neutral and non-polar, with leucine, which is neutral and non-polar, at codon 398 of the LIG1 protein (p.Pro398Leu). This variant is present in population databases (rs774413070, gnomAD 0.01%). This variant has not been reported in the literature in individuals affected with LIG1-related conditions. Algorithms developed to predict the effect of missense changes on protein structure and function are either unavailable or do not agree on the potential impact of this missense change (SIFT: "Deleterious"; PolyPhen-2: "Benign"; Align-GVGD: "Class C0"). In summary, the available evidence is currently insufficient to determine the role of this variant in disease. Therefore, it has been classified as a Variant of Uncertain Significance.

NM_000234.3(LIG1):c.1193C>T (p.Pro398Leu)

Gene: LIG1 (DNA ligase 1; minus strand). Cytogenetic location: 19q13.33.
Variant type: single nucleotide variant.
Coding change: c.1193C>T on transcript NM_000234.3 (MANE Select); coding-DNA position 1193, C replaced by T.
Protein change: p.Pro398Leu; replaces proline 398 with leucine.
Molecular consequence: missense variant. On other transcripts: non-coding transcript variant (6).
Genome position (GRCh38, 1-based): chr19:48,137,583, G>A on the plus strand (C>T on the coding strand, the complement: LIG1 is on the minus strand). VCF-style: chr19-48137583-G-A. GRCh37 (hg19) VCF-style: chr19-48640840-G-A.
Other names: c.1100C>T, p.Pro367Leu (NM_001289063.2); c.989C>T, p.Pro330Leu (NM_001289064.2); c.1190C>T, p.Pro397Leu (NM_001320970.2); c.1103C>T, p.Pro368Leu (NM_001320971.2); short protein forms P397L, P368L, P398L, P330L, P367L.
Identifiers: ClinVar variation 2144486 (VCV002144486.2), dbSNP rs774413070, ClinGen allele CA9546926.